The following is an entry in ClinVar:

NM_012120.3(CD2AP):c.455A>T (p.Asn152Ile)

Gene: CD2AP (CD2 associated protein; plus strand). Cytogenetic location: 6p12.3.
Variant type: single nucleotide variant.
Coding change: c.455A>T on transcript NM_012120.3 (MANE Select); coding-DNA position 455, A replaced by T.
Protein change: p.Asn152Ile; replaces asparagine 152 with isoleucine.
Molecular consequence: missense variant.
Genome position (GRCh38, 1-based): chr6:47,554,680, A>T. VCF-style: chr6-47554680-A-T. GRCh37 (hg19) VCF-style: chr6-47522416-A-T.
Other names: short protein forms N152I.
Identifiers: ClinVar variation 4771836 (VCV004771836.1).

ClinVar aggregate classification (germline): Uncertain significance (1 of 4 stars; one submission).

gnomAD v4.1: 5 of 1,613,774 alleles (0.00031%); highest among the groups gnomAD compares: Admixed American, 0.0067%; no homozygotes.

Submission:

Labcorp Genetics (formerly Invitae), Labcorp
Classification: Uncertain significance. Last evaluated: 2025-03-23. Review status: criteria provided, single submitter. Criteria: Invitae Variant Classification Sherloc (09022015). Collection method: clinical testing. Allele origin: germline.
Comment: This sequence change replaces asparagine, which is neutral and polar, with isoleucine, which is neutral and non-polar, at codon 152 of the CD2AP protein (p.Asn152Ile). This variant is present in population databases (rs745830059, gnomAD 0.006%). This variant has not been reported in the literature in individuals affected with CD2AP-related conditions. Invitae Evidence Modeling of protein sequence and biophysical properties (such as structural, functional, and spatial information, amino acid conservation, physicochemical variation, residue mobility, and thermodynamic stability) indicates that this missense variant is not expected to disrupt CD2AP protein function with a negative predictive value of 80%. In summary, the available evidence is currently insufficient to determine the role of this variant in disease. Therefore, it has been classified as a Variant of Uncertain Significance.